The following is an entry in ClinVar:

ClinVar aggregate classification (germline): Pathogenic (1 of 4 stars; one submission).

Conditions:
Marfan syndrome (MFS). Also called: MARFAN SYNDROME, TYPE I; Marfan syndrome type 1; Marfan's syndrome; Marfan syndrome, classic; FBN1-Related Marfan Syndrome. Identifiers: Orphanet 284963, Orphanet 558, MedGen C0024796, MONDO:0007947, OMIM 154700.
Familial thoracic aortic aneurysm and aortic dissection (TAAD). Also called: Thoracic aortic aneurysms and dissections. Identifiers: Orphanet 91387, MedGen C4707243, MONDO:0019625.

Submission:

Labcorp Genetics (formerly Invitae), Labcorp
Classification: Pathogenic for Marfan syndrome; Familial thoracic aortic aneurysm and aortic dissection. Last evaluated: 2021-10-15. Review status: criteria provided, single submitter. Criteria: Invitae Variant Classification Sherloc (09022015). Collection method: clinical testing. Allele origin: germline.
Comment: This variant has not been reported in the literature in individuals affected with FBN1-related conditions. This variant results in the deletion of exons 3-24 and part of exon 25 (c.164+9719_2963del) of the FBN1 gene. It is expected to disrupt RNA splicing. Variants that disrupt the donor or acceptor splice site typically lead to a loss of protein function (PMID: 16199547), and loss-of-function variants in FBN1 are known to be pathogenic (PMID: 17657824, 19293843). This variant affects a cysteine residue in the EGF-like, TGFBP or hybrid motif domains of FBN1. Cysteine residues are believed to be involved in intramolecular disulfide bridges and have been shown to be important for FBN1 protein structure (PMID: 16905551, 19349279). In addition, missense substitutions affecting cysteine residues within these domains are significantly overrepresented among patients with Marfan syndrome (PMID: 16571647, 17701892). For these reasons, this variant has been classified as Pathogenic.

Literature cited by the submitters: PubMed 16199547; PubMed 17657824; PubMed 19293843; PubMed 16905551; PubMed 19349279; PubMed 16571647; PubMed 17701892.

NC_000015.9:g.(?_48782167)_(48927084_?)del

Gene: FBN1 (fibrillin 1; minus strand). Cytogenetic location: 15q21.1.
Variant type: Deletion.
Identifiers: ClinVar variation 1453737 (VCV001453737.4).